The following is an entry in ClinVar:

NM_024700.4(SNIP1):c.133C>T (p.Arg45Cys)

Gene: SNIP1 (Smad nuclear interacting protein 1; minus strand). Cytogenetic location: 1p34.3.
Variant type: single nucleotide variant.
Coding change: c.133C>T on transcript NM_024700.4 (MANE Select); coding-DNA position 133, C replaced by T.
Protein change: p.Arg45Cys; replaces arginine 45 with cysteine.
Molecular consequence: missense variant.
Genome position (GRCh38, 1-based): chr1:37,554,097, G>A on the plus strand (C>T on the coding strand, the complement: SNIP1 is on the minus strand). VCF-style: chr1-37554097-G-A. GRCh37 (hg19) VCF-style: chr1-38019698-G-A.
Other names: short protein forms R45C.
Identifiers: ClinVar variation 1405806 (VCV001405806.8), dbSNP rs1462607966, ClinGen allele CA339429946.
Genomic context (GRCh38, chr1:37,554,097, plus strand): 5'-GGCCCGAGCGGGCCGGCTCGCTGGTCGGCGGAGACGGGCTACCACCGGAGTGGTCCGGAC[G>A]GCGGTGGGCGGGAGGTGCGACTTCTGGGCTGAGACGCTCCTGCTTCACCACCACCCCCGC-3'
Protein context (NP_078976.2, residues 35-55): SPEVAPPAHR[Arg45Cys]PDHSGGSPSP

ClinVar aggregate classification (germline): Uncertain significance (1 of 4 stars; one submission).

Allele frequency attached by ClinVar (database versions not stated): gnomAD exomes below 0.00001 and 0.00001.
gnomAD v4.1: 8 of 1,610,806 alleles (0.0005%); highest among the groups gnomAD compares: Non-Finnish European, 0.00068%; no homozygotes.

Submission:

Labcorp Genetics (formerly Invitae), Labcorp
Classification: Uncertain significance. Last evaluated: 2022-07-12. Review status: criteria provided, single submitter. Criteria: Invitae Variant Classification Sherloc (09022015). Collection method: clinical testing. Allele origin: germline.
Comment: This sequence change replaces arginine, which is basic and polar, with cysteine, which is neutral and slightly polar, at codon 45 of the SNIP1 protein (p.Arg45Cys). This variant is not present in population databases (gnomAD no frequency). This variant has not been reported in the literature in individuals affected with SNIP1-related conditions. ClinVar contains an entry for this variant (Variation ID: 1405806). Algorithms developed to predict the effect of missense changes on protein structure and function are either unavailable or do not agree on the potential impact of this missense change (SIFT: "Tolerated"; PolyPhen-2: "Possibly Damaging"; Align-GVGD: "Class C0"). In summary, the available evidence is currently insufficient to determine the role of this variant in disease. Therefore, it has been classified as a Variant of Uncertain Significance.